The following is an entry in ClinVar:

NM_005751.5(AKAP9):c.11111A>G (p.Lys3704Arg)

Gene: AKAP9 (A-kinase anchoring protein 9; plus strand). Cytogenetic location: 7q21.2.
Variant type: single nucleotide variant.
Coding change: c.11111A>G on transcript NM_005751.5 (MANE Select); coding-DNA position 11111, A replaced by G.
Protein change: p.Lys3704Arg; replaces lysine 3704 with arginine.
Molecular consequence: missense variant.
Genome position (GRCh38, 1-based): chr7:92,102,607, A>G. VCF-style: chr7-92102607-A-G. GRCh37 (hg19) VCF-style: chr7-91731921-A-G.
Other names: c.5756A>G, p.Lys1919Arg (NM_001379277.1); c.11087A>G, p.Lys3696Arg (NM_147185.3); short protein forms K3704R, K3696R, K1919R.
Identifiers: ClinVar variation 457083 (VCV000457083.8), dbSNP rs777319897, ClinGen allele CA4338094.

ClinVar aggregate classification (germline): Uncertain significance (1 of 4 stars; one submission).

Conditions:
Long QT syndrome (LQTS). Identifiers: MedGen C0023976, MeSH D008133, MONDO:0002442. Disease mechanism: loss of function. Inheritance: Various modes of inheritance.

Allele frequency attached by ClinVar (database versions not stated): TOPMed 0.00001; gnomAD exomes below 0.00001; ExAC 0.00001; gnomAD 0.00001.
gnomAD v4.1: 27 of 1,613,918 alleles (0.0017%); highest among the groups gnomAD compares: Non-Finnish European, 0.0022%; no homozygotes.

Submission:

Labcorp Genetics (formerly Invitae), Labcorp
Classification: Uncertain significance for Long QT syndrome. Last evaluated: 2022-09-27. Review status: criteria provided, single submitter. Criteria: Invitae Variant Classification Sherloc (09022015). Collection method: clinical testing. Allele origin: germline.
Comment: This sequence change replaces lysine, which is basic and polar, with arginine, which is basic and polar, at codon 3704 of the AKAP9 protein (p.Lys3704Arg). This variant is present in population databases (rs777319897, gnomAD 0.003%). This variant has not been reported in the literature in individuals affected with AKAP9-related conditions. ClinVar contains an entry for this variant (Variation ID: 457083). Algorithms developed to predict the effect of missense changes on protein structure and function are either unavailable or do not agree on the potential impact of this missense change (SIFT: "Deleterious"; PolyPhen-2: "Probably Damaging"; Align-GVGD: "Class C0"). In summary, the available evidence is currently insufficient to determine the role of this variant in disease. Therefore, it has been classified as a Variant of Uncertain Significance.